The following is an entry in ClinVar:

NM_000238.4(KCNH2):c.1437C>T (p.Asn479=)

Gene: KCNH2 (potassium voltage-gated channel subfamily H member 2; minus strand). Cytogenetic location: 7q36.1.
Variant type: single nucleotide variant.
Coding change: c.1437C>T on transcript NM_000238.4 (MANE Select); coding-DNA position 1437, C replaced by T.
Protein change: p.Asn479=; no amino-acid change (asparagine 479 retained).
Molecular consequence: synonymous variant. On other transcripts: non-coding transcript variant (2).
Genome position (GRCh38, 1-based): chr7:150,952,545, G>A on the plus strand (C>T on the coding strand, the complement: KCNH2 is on the minus strand). VCF-style: chr7-150952545-G-A. GRCh37 (hg19) VCF-style: chr7-150649633-G-A.
Other names: c.417C>T, p.Asn139= (NM_001204798.2, NM_172057.3); c.1149C>T, p.Asn383= (NM_001406753.1, NM_001406756.1); c.1260C>T, p.Asn420= (NM_001406755.1); c.1137C>T, p.Asn379= (NM_001406757.1); c.1437C>T, p.Asn479= (NM_172056.3).
Identifiers: ClinVar variation 377955 (VCV000377955.23), dbSNP rs188818227, ClinGen allele CA028019.

ClinVar aggregate classification (germline): Benign/Likely benign. Review status: criteria provided, multiple submitters, no conflicts (2 of 4 stars). 8 submissions from 8 submitters: Benign (2); Likely benign (5). 1 of the submissions does not count toward it. Last evaluated 2026-01-19.

Conditions:
Cardiac arrhythmia. Also called: Cardiac rhythm disease; Arrhythmia. Identifiers: MedGen C0003811, MONDO:0007263, HP:0011675.
Long QT syndrome (LQTS). Identifiers: MedGen C0023976, MeSH D008133, MONDO:0002442. Disease mechanism: loss of function. Inheritance: Various modes of inheritance.
KCNH2-related disorder. Also called: KCNH2-related disorders; KCNH2-related condition.
Cardiovascular phenotype. Identifiers: MedGen CN230736.

Allele frequency attached by ClinVar (database versions not stated): gnomAD exomes 0.00006 and 0.00012; TOPMed 0.00006; ESP Exome Variant Server 0.00008; gnomAD 0.00008 and 0.00009; ExAC 0.00011; 1000 Genomes Project 0.00040; 1000 Genomes Project 30x 0.00062.

Submissions (8):

Labcorp Genetics (formerly Invitae), Labcorp
Classification: Likely benign for Long QT syndrome. Last evaluated: 2026-01-19. Review status: criteria provided, single submitter. Criteria: Invitae Variant Classification Sherloc (09022015). Collection method: clinical testing. Allele origin: germline.

Athena Diagnostics
Classification: Benign. Last evaluated: 2024-10-04. Review status: criteria provided, single submitter. Criteria: Athena Diagnostics Criteria. Collection method: clinical testing. Allele origin: unknown.

Blueprint Genetics
Classification: Likely benign. Last evaluated: 2024-04-15. Review status: criteria provided, single submitter. Criteria: ACMG Guidelines, 2015. Collection method: clinical testing. Allele origin: germline.

All of Us Research Program, National Institutes of Health
Classification: Likely benign for Long QT syndrome. Last evaluated: 2023-12-01. Review status: criteria provided, single submitter. Criteria: ACMG Guidelines, 2015. Collection method: clinical testing. Allele origin: germline. Inheritance: Autosomal dominant inheritance. Observed: 8 variant alleles, 8 heterozygotes.
Comment: This study involves interpretation of variants in research participants for the purpose of population health screening. Participant phenotype was not available at the time of variant classification. Additional details can be found in publication PMID: 35346344, PMCID: PMC8962531

Ambry Genetics
Classification: Likely benign for Cardiovascular phenotype. Last evaluated: 2022-08-24. Review status: criteria provided, single submitter. Criteria: Ambry Variant Classification Scheme 2023. Collection method: clinical testing. Allele origin: germline.

Color Diagnostics, LLC DBA Color Health
Classification: Likely benign for Arrhythmia. Last evaluated: 2019-01-21. Review status: criteria provided, single submitter. Criteria: ACMG Guidelines, 2015. Collection method: clinical testing. Allele origin: germline.

GeneDx
Classification: Benign. Last evaluated: 2015-04-14. Review status: criteria provided, single submitter. Criteria: GeneDx Variant Classification (06012015). Collection method: clinical testing. Allele origin: germline. Affected: yes.
Comment: This variant is considered likely benign or benign based on one or more of the following criteria: it is a conservative change, it occurs at a poorly conserved position in the protein, it is predicted to be benign by multiple in silico algorithms, and/or has population frequency not consistent with disease.

PreventionGenetics, part of Exact Sciences
Classification: Likely benign for KCNH2-related condition. Last evaluated: 2019-09-13. Review status: no assertion criteria provided. Collection method: clinical testing. Allele origin: germline. Not counted in ClinVar's aggregate classification.
Comment: This variant is classified as likely benign based on ACMG/AMP sequence variant interpretation guidelines (Richards et al. 2015 PMID: 25741868, with internal and published modifications).